The following is an entry in ClinVar:

NM_152564.5(VPS13B):c.4818G>A (p.Leu1606=)

Gene: VPS13B (vacuolar protein sorting 13 homolog B; plus strand). Cytogenetic location: 8q22.2.
Variant type: single nucleotide variant.
Coding change: c.4818G>A on transcript NM_152564.5 (MANE Select); coding-DNA position 4818, G replaced by A.
Protein change: p.Leu1606=; no amino-acid change (leucine 1606 retained).
Molecular consequence: synonymous variant.
Genome position (GRCh38, 1-based): chr8:99,556,522, G>A. VCF-style: chr8-99556522-G-A. GRCh37 (hg19) VCF-style: chr8-100568750-G-A.
Other names: c.4893G>A, p.Leu1631= (NM_017890.5).
Identifiers: ClinVar variation 5041634 (VCV005041634.1).
Genomic context (GRCh38, chr8:99,556,522, plus strand): 5'-CTTAGGAATTCTTCGAGATCCTGGATCAGAAATCGAAGACAGACAATACCAAATAGATCT[G>A]CAGTCCATCAATATTGGTACTGCACAGTGGCATCAACTAAAACCAGAGAAGGAAAGTGTC-3'
Protein context (NP_689777.3, residues 1596-1616): EIEDRQYQID[Leu1606=]QSINIGTAQW

ClinVar aggregate classification (germline): Likely benign (1 of 4 stars; one submission).

Submission:

CeGaT Center for Human Genetics Tuebingen
Classification: Likely benign. Last evaluated: 2026-09-01. Review status: criteria provided, single submitter. Criteria: CeGaT Center For Human Genetics Tuebingen Variant Classification Criteria Version 2. Collection method: clinical testing. Allele origin: germline. Affected: yes. Observed: 1 variant allele.
Comment: VPS13B: PM2:Supporting, BP4, BP7